The following is an entry in ClinVar:

NM_000138.5(FBN1):c.431A>G (p.His144Arg)

Gene: FBN1 (fibrillin 1; minus strand). Cytogenetic location: 15q21.1.
Variant type: single nucleotide variant.
Coding change: c.431A>G on transcript NM_000138.5 (MANE Select); coding-DNA position 431, A replaced by G.
Protein change: p.His144Arg; replaces histidine 144 with arginine.
Molecular consequence: missense variant.
Genome position (GRCh38, 1-based): chr15:48,600,150, T>C on the plus strand (A>G on the coding strand, the complement: FBN1 is on the minus strand). VCF-style: chr15-48600150-T-C. GRCh37 (hg19) VCF-style: chr15-48892347-T-C.
Other names: c.431A>G, p.His144Arg (NM_001406716.1, NM_001406717.1); short protein forms H144R.
Identifiers: ClinVar variation 1953627 (VCV001953627.6), dbSNP rs1389741787, ClinGen allele CA392446456.

ClinVar aggregate classification (germline): Conflicting classifications of pathogenicity. Review status: criteria provided, conflicting classifications (1 of 4 stars). 2 submissions from 2 submitters: Uncertain significance (1); Likely benign (1). Last evaluated 2025-06-23.

Conditions:
Familial thoracic aortic aneurysm and aortic dissection (TAAD). Also called: Thoracic aortic aneurysms and dissections. Identifiers: Orphanet 91387, MedGen C4707243, MONDO:0019625.
Marfan syndrome (MFS). Also called: MARFAN SYNDROME, TYPE I; Marfan syndrome type 1; Marfan's syndrome; Marfan syndrome, classic; FBN1-Related Marfan Syndrome. Identifiers: Orphanet 284963, Orphanet 558, MedGen C0024796, MONDO:0007947, OMIM 154700.

Allele frequency attached by ClinVar (database versions not stated): gnomAD 0.00001; TOPMed below 0.00001.
gnomAD v4.1: 1 of 1,611,228 alleles (0.000062%); highest among the groups gnomAD compares: African/African-American, 0.0013%; no homozygotes.

Submissions (2):

Color Diagnostics, LLC DBA Color Health
Classification: Uncertain significance for Familial thoracic aortic aneurysm and aortic dissection. Last evaluated: 2025-06-23. Review status: criteria provided, single submitter. Criteria: ACMG Guidelines, 2015. Collection method: clinical testing. Allele origin: germline.
Comment: This missense variant replaces histidine with arginine at codon 144 of the FBN1 protein. Computational prediction suggests that this variant may not impact protein structure and function. To our knowledge, functional studies have not been reported for this variant. This variant has not been reported in individuals affected with FBN1-related disorders in the literature. This variant has been identified in 1/31404 chromosomes in the general population by the Genome Aggregation Database (gnomAD). The available evidence is insufficient to determine the role of this variant in disease conclusively. Therefore, this variant is classified as a Variant of Uncertain Significance.

Labcorp Genetics (formerly Invitae), Labcorp
Classification: Likely benign for Marfan syndrome; Familial thoracic aortic aneurysm and aortic dissection. Last evaluated: 2022-01-29. Review status: criteria provided, single submitter. Criteria: Invitae Variant Classification Sherloc (09022015). Collection method: clinical testing. Allele origin: germline.